The following is an entry in ClinVar:

ClinVar aggregate classification (germline): Uncertain significance (1 of 4 stars; one submission).

Conditions:
Elsahy-Waters syndrome. Also called: BSG SYNDROME; Hypospadias, hypertelorism, upper lid coloboma, and mixed-type hearing loss. Identifiers: Orphanet 1299, Orphanet 157788, MedGen C0809936, MONDO:0008885, OMIM 211380.

Submission:

MVZ Praenatalmedizin und Genetik Nuernberg
Classification: Uncertain significance for Elsahy-Waters syndrome. Last evaluated: 2023-08-11. Review status: criteria provided, single submitter. Criteria: ACMG Guidelines, 2015. Collection method: clinical testing. Allele origin: de novo.
Comment: It is located in exon 5 of 13 and leads to the replacement of the highly conserved amino acid aspartic acid with glycine in the cadherin-2 domain of the protein. In the same domain, 4 other missense mutations have been described as pathogenic for Teebi hypertelorism syndrome 2 (UniProt; PMID: 33811546). The mutation itself has not yet been described in the literature. There is also no entry in gnomAD or ClinVar. In silico predictions consistently indicate a possible pathogenicity of the variant (CADD 26.3, REVEL 0.771, MetaRnn 0.97).In summary, based on the current data and taking into account the patient's clinical data, we believe this to be a variant of uncertain clinical significance (VUS), but with pathogenic tendency.

Literature cited by the submitters: PubMed 33811546.

NM_001797.4(CDH11):c.560A>G (p.Asp187Gly)

Gene: CDH11 (cadherin 11; minus strand). Cytogenetic location: 16q21.
Variant type: single nucleotide variant.
Coding change: c.560A>G on transcript NM_001797.4 (MANE Select); coding-DNA position 560, A replaced by G.
Protein change: p.Asp187Gly; replaces aspartic acid 187 with glycine.
Molecular consequence: missense variant.
Genome position (GRCh38, 1-based): chr16:64,992,998, T>C on the plus strand (A>G on the coding strand, the complement: CDH11 is on the minus strand). VCF-style: chr16-64992998-T-C. GRCh37 (hg19) VCF-style: chr16-65026901-T-C.
Other names: c.560A>G, p.Asp187Gly (NM_001308392.2); c.182A>G, p.Asp61Gly (NM_001330576.2); short protein forms D187G, D61G.
Identifiers: ClinVar variation 4813486 (VCV004813486.1).